The following is an entry in ClinVar:

NM_002618.4(PEX13):c.268T>G (p.Tyr90Asp)

Gene: PEX13 (peroxisomal biogenesis factor 13; plus strand). Cytogenetic location: 2p15.
Variant type: single nucleotide variant.
Coding change: c.268T>G on transcript NM_002618.4 (MANE Select); coding-DNA position 268, T replaced by G.
Protein change: p.Tyr90Asp; replaces tyrosine 90 with aspartic acid.
Molecular consequence: missense variant.
Genome position (GRCh38, 1-based): chr2:61,031,594, T>G. VCF-style: chr2-61031594-T-G. GRCh37 (hg19) VCF-style: chr2-61258729-T-G.
Other names: short protein forms Y90D.
Identifiers: ClinVar variation 2109118 (VCV002109118.1), dbSNP rs1448189089, ClinGen allele CA346941846.

ClinVar aggregate classification (germline): Uncertain significance (1 of 4 stars; one submission).

Conditions:
Peroxisome biogenesis disorder 11A (Zellweger). Also called: Peroxisome biogenesis disorder 11A. Identifiers: Orphanet 912, MedGen C3554000, MONDO:0013949, OMIM 614883.

Allele frequency attached by ClinVar (database versions not stated): gnomAD exomes below 0.00001.
gnomAD v4.1: 1 of 1,614,190 alleles (0.000062%); highest among the groups gnomAD compares: Admixed American, 0.0017%; no homozygotes.

Submission:

Labcorp Genetics (formerly Invitae), Labcorp
Classification: Uncertain significance for Peroxisome biogenesis disorder 11A (Zellweger). Last evaluated: 2022-03-11. Review status: criteria provided, single submitter. Criteria: Invitae Variant Classification Sherloc (09022015). Collection method: clinical testing. Allele origin: germline.
Comment: This sequence change replaces tyrosine, which is neutral and polar, with aspartic acid, which is acidic and polar, at codon 90 of the PEX13 protein (p.Tyr90Asp). This variant is present in population databases (no rsID available, gnomAD 0.003%). This variant has not been reported in the literature in individuals affected with PEX13-related conditions. Algorithms developed to predict the effect of missense changes on protein structure and function (SIFT, PolyPhen-2, Align-GVGD) all suggest that this variant is likely to be disruptive. In summary, the available evidence is currently insufficient to determine the role of this variant in disease. Therefore, it has been classified as a Variant of Uncertain Significance.